The following is an entry in ClinVar:

NM_014236.4(GNPAT):c.608T>A (p.Met203Lys)

Gene: GNPAT (glyceronephosphate O-acyltransferase; plus strand). Cytogenetic location: 1q42.2.
Variant type: single nucleotide variant.
Coding change: c.608T>A on transcript NM_014236.4 (MANE Select); coding-DNA position 608, T replaced by A.
Protein change: p.Met203Lys; replaces methionine 203 with lysine.
Molecular consequence: missense variant.
Genome position (GRCh38, 1-based): chr1:231,265,332, T>A. VCF-style: chr1-231265332-T-A. GRCh37 (hg19) VCF-style: chr1-231401078-T-A.
Other names: c.425T>A, p.Met142Lys (NM_001316350.2); short protein forms M203K, M142K.
Identifiers: ClinVar variation 296114 (VCV000296114.8), dbSNP rs779199619, ClinGen allele CA1451833.

ClinVar aggregate classification (germline): Uncertain significance. Review status: criteria provided, multiple submitters, no conflicts (2 of 4 stars). 3 submissions from 3 submitters: Uncertain significance (3). Last evaluated 2026-01-26.

Conditions:
Inborn genetic diseases. Identifiers: MedGen C0950123, MeSH D030342.
Rhizomelic chondrodysplasia punctata type 2 (RCDP2). Also called: DIHYDROXYACETONEPHOSPHATE ACYLTRANSFERASE DEFICIENCY; glyceronephosphate O-acyltransferase (GNPAT) deficiency; Glyceronephosphate O-acyltransferase deficiency; DHAPAT DEFICIENCY; PEROXISOMAL DIHYDROXYACETONEPHOSPHATE ACYLTRANSFERASE DEFICIENCY; Chondrodysplasia punctata, rhizomelic, due to dihydroxyacetonephosphate acyltransferase deficiency. Identifiers: Orphanet 177, Orphanet 309796, MedGen C1857242, MONDO:0100273, OMIM 222765. Disease mechanism: loss of function.

Allele frequency attached by ClinVar (database versions not stated): TOPMed 0.00002; gnomAD exomes 0.00003; gnomAD 0.00019; ExAC 0.00002.
gnomAD v4.1: 43 of 1,611,914 alleles (0.0027%); highest among the groups gnomAD compares: Non-Finnish European, 0.0036%; no homozygotes.

Submissions (3):

Labcorp Genetics (formerly Invitae), Labcorp
Classification: Uncertain significance. Last evaluated: 2026-01-26. Review status: criteria provided, single submitter. Criteria: Invitae Variant Classification Sherloc (09022015). Collection method: clinical testing. Allele origin: germline.
Comment: This sequence change replaces methionine, which is neutral and non-polar, with lysine, which is basic and polar, at codon 203 of the GNPAT protein (p.Met203Lys). This variant is present in population databases (rs779199619, gnomAD 0.01%). This variant has not been reported in the literature in individuals affected with GNPAT-related conditions. ClinVar contains an entry for this variant (Variation ID: 296114). Invitae Evidence Modeling of protein sequence and biophysical properties (such as structural, functional, and spatial information, amino acid conservation, physicochemical variation, residue mobility, and thermodynamic stability) indicates that this missense variant is not expected to disrupt GNPAT protein function with a negative predictive value of 80%. In summary, the available evidence is currently insufficient to determine the role of this variant in disease. Therefore, it has been classified as a Variant of Uncertain Significance.

Ambry Genetics
Classification: Uncertain significance for Inborn genetic diseases. Last evaluated: 2023-03-02. Review status: criteria provided, single submitter. Criteria: Ambry Variant Classification Scheme 2023. Collection method: clinical testing. Allele origin: germline.

Illumina Laboratory Services, Illumina
Classification: Uncertain significance for Rhizomelic chondrodysplasia punctata type 2. Last evaluated: 2018-01-13. Review status: criteria provided, single submitter. Criteria: ICSL Variant Classification Criteria 13 December 2019. Collection method: clinical testing. Allele origin: germline.